The following is an entry in ClinVar:

NM_000834.5(GRIN2B):c.2051G>A (p.Gly684Glu)

Gene: GRIN2B (glutamate ionotropic receptor NMDA type subunit 2B; minus strand). Cytogenetic location: 12p13.1.
Variant type: single nucleotide variant.
Coding change: c.2051G>A on transcript NM_000834.5 (MANE Select); coding-DNA position 2051, G replaced by A.
Protein change: p.Gly684Glu; replaces glycine 684 with glutamic acid.
Molecular consequence: missense variant.
Genome position (GRCh38, 1-based): chr12:13,571,924, C>T on the plus strand (G>A on the coding strand, the complement: GRIN2B is on the minus strand). VCF-style: chr12-13571924-C-T. GRCh37 (hg19) VCF-style: chr12-13724858-C-T.
Other names: c.2051G>A, p.Gly684Glu (NM_001413992.1); short protein forms G684E.
Identifiers: ClinVar variation 1785080 (VCV001785080.2), dbSNP rs2497485885, ClinGen allele CA383999898.

ClinVar aggregate classification (germline): Uncertain significance (1 of 4 stars; one submission).

Conditions:
Inborn genetic diseases. Identifiers: MedGen C0950123, MeSH D030342.

Submission:

Ambry Genetics
Classification: Uncertain significance for Inborn genetic diseases. Last evaluated: 2018-05-30. Review status: criteria provided, single submitter. Criteria: Ambry Variant Classification Scheme 2023. Collection method: clinical testing. Allele origin: germline.
Comment: The p.G684E variant (also known as c.2051G>A), located in coding exon 9 of the GRIN2B gene, results from a G to A substitution at nucleotide position 2051. The glycine at codon 684 is replaced by glutamic acid, an amino acid with similar properties. This amino acid position is highly conserved in available vertebrate species. In addition, this alteration is predicted to be deleterious by in silico analysis. Since supporting evidence is limited at this time, the clinical significance of this alteration remains unclear.